The following is an entry in ClinVar:

NM_001276345.2(TNNT2):c.-14-160G>A

Gene: TNNT2 (troponin T2, cardiac type; minus strand). Cytogenetic location: 1q32.1.
Variant type: single nucleotide variant.
Coding change: c.-14-160G>A on transcript NM_001276345.2 (MANE Select); 160 bases into the intron before 14 bases upstream of the start codon, G replaced by A.
Molecular consequence: intron variant.
Genome position (GRCh38, 1-based): chr1:201,373,428, C>T on the plus strand (G>A on the coding strand, the complement: TNNT2 is on the minus strand). VCF-style: chr1-201373428-C-T. GRCh37 (hg19) VCF-style: chr1-201342556-C-T.
Other names: c.-14-160G>A (NM_001001432.3, NM_001001431.3, NM_001001430.3 and 2 more transcripts); c.-147-27G>A (NM_001276347.2).
Identifiers: ClinVar variation 672963 (VCV000672963.2), dbSNP rs10920186, ClinGen allele CA35432890.

ClinVar aggregate classification (germline): Benign. Review status: criteria provided, multiple submitters, no conflicts (2 of 4 stars). 2 submissions from 2 submitters: Benign (2). Last evaluated 2018-06-19.

Allele frequency attached by ClinVar (database versions not stated): gnomAD exomes 0.00324; gnomAD 0.02626 and 0.02814; 1000 Genomes Project 0.02796; 1000 Genomes Project 30x 0.02920; TOPMed 0.03039.
gnomAD v4.1: 5,832 of 697,144 alleles (0.84%); highest among the groups gnomAD compares: African/African-American, 9.1%; 228 homozygotes.

Submissions (2):

GeneDx
Classification: Benign. Last evaluated: 2018-06-19. Review status: criteria provided, single submitter. Criteria: GeneDx Variant Classification (06012015). Collection method: clinical testing. Allele origin: germline. Affected: yes.
Comment: This variant is considered likely benign or benign based on one or more of the following criteria: it is a conservative change, it occurs at a poorly conserved position in the protein, it is predicted to be benign by multiple in silico algorithms, and/or has population frequency not consistent with disease.

Breakthrough Genomics
Classification: Benign. Review status: criteria provided, single submitter. Criteria: ACMG Guidelines, 2015. Collection method: not provided. Allele origin: germline. Inheritance: Autosomal dominant inheritance. Affected: yes.